The following is an entry in ClinVar:

NM_012431.3(SEMA3E):c.8C>A (p.Ser3Tyr)

Gene: SEMA3E (semaphorin 3E; minus strand). Cytogenetic location: 7q21.11.
Variant type: single nucleotide variant.
Coding change: c.8C>A on transcript NM_012431.3 (MANE Select); coding-DNA position 8, C replaced by A.
Protein change: p.Ser3Tyr; replaces serine 3 with tyrosine.
Molecular consequence: missense variant.
Genome position (GRCh38, 1-based): chr7:83,648,535, G>T on the plus strand (C>A on the coding strand, the complement: SEMA3E is on the minus strand). VCF-style: chr7-83648535-G-T. GRCh37 (hg19) VCF-style: chr7-83277851-G-T.
Other names: short protein forms S3Y.
Identifiers: ClinVar variation 3630999 (VCV003630999.2).

ClinVar aggregate classification (germline): Uncertain significance (1 of 4 stars; one submission).

Conditions:
CHARGE syndrome (CHARGE). Also called: Hittner Hirsch Kreh syndrome; CHARGE ASSOCIATION--COLOBOMA, HEART ANOMALY, CHOANAL ATRESIA, RETARDATION, GENITAL AND EAR ANOMALIES; Coloboma, heart anomaly, choanal atresia, retardation, genital and ear anomalies; CHARGE association; Hall-Hittner syndrome. Identifiers: Orphanet 138, MedGen C0265354, MONDO:0008965.

Submission:

Labcorp Genetics (formerly Invitae), Labcorp
Classification: Uncertain significance for CHARGE syndrome. Last evaluated: 2024-09-16. Review status: criteria provided, single submitter. Criteria: Invitae Variant Classification Sherloc (09022015). Collection method: clinical testing. Allele origin: germline.
Comment: This sequence change replaces serine, which is neutral and polar, with tyrosine, which is neutral and polar, at codon 3 of the SEMA3E protein (p.Ser3Tyr). This variant is not present in population databases (gnomAD no frequency). This variant has not been reported in the literature in individuals affected with SEMA3E-related conditions. An algorithm developed to predict the effect of missense changes on protein structure and function (PolyPhen-2) suggests that this variant is likely to be tolerated. In summary, the available evidence is currently insufficient to determine the role of this variant in disease. Therefore, it has been classified as a Variant of Uncertain Significance.